The following is an entry in ClinVar:

NM_000283.4(PDE6B):c.451G>A (p.Val151Ile)

Gene: PDE6B (phosphodiesterase 6B; plus strand). Cytogenetic location: 4p16.3.
Variant type: single nucleotide variant.
Coding change: c.451G>A on transcript NM_000283.4 (MANE Select); coding-DNA position 451, G replaced by A.
Protein change: p.Val151Ile; replaces valine 151 with isoleucine.
Molecular consequence: missense variant.
Genome position (GRCh38, 1-based): chr4:626,077, G>A. VCF-style: chr4-626077-G-A. GRCh37 (hg19) VCF-style: chr4-619866-G-A.
Other names: c.451G>A (NM_000283.3); c.451G>A, p.Val151Ile (NM_001145291.2); short protein forms V151I.
Identifiers: ClinVar variation 1942689 (VCV001942689.7), dbSNP rs146599285, ClinGen allele CA91052518.

ClinVar aggregate classification (germline): Uncertain significance. Review status: criteria provided, multiple submitters, no conflicts (2 of 4 stars). 3 submissions from 3 submitters: Uncertain significance (3). Last evaluated 2025-01-29.

Conditions:
Inborn genetic diseases. Identifiers: MedGen C0950123, MeSH D030342.

Allele frequency attached by ClinVar (database versions not stated): gnomAD 0.00001; TOPMed 0.00001; ESP Exome Variant Server 0.00008.
gnomAD v4.1: 14 of 1,586,236 alleles (0.00088%); highest among the groups gnomAD compares: Middle Eastern, 0.017%; no homozygotes.

Submissions (3):

Ambry Genetics
Classification: Uncertain significance for Inborn genetic diseases. Last evaluated: 2025-01-29. Review status: criteria provided, single submitter. Criteria: Ambry Variant Classification Scheme 2023. Collection method: clinical testing. Allele origin: germline.

Labcorp Genetics (formerly Invitae), Labcorp
Classification: Uncertain significance. Last evaluated: 2024-08-24. Review status: criteria provided, single submitter. Criteria: Invitae Variant Classification Sherloc (09022015). Collection method: clinical testing. Allele origin: germline.
Comment: This sequence change replaces valine, which is neutral and non-polar, with isoleucine, which is neutral and non-polar, at codon 151 of the PDE6B protein (p.Val151Ile). The frequency data for this variant in the population databases is considered unreliable, as metrics indicate poor data quality at this position in the gnomAD database. This variant has not been reported in the literature in individuals affected with PDE6B-related conditions. ClinVar contains an entry for this variant (Variation ID: 1942689). Invitae Evidence Modeling of protein sequence and biophysical properties (such as structural, functional, and spatial information, amino acid conservation, physicochemical variation, residue mobility, and thermodynamic stability) indicates that this missense variant is not expected to disrupt PDE6B protein function with a negative predictive value of 95%. In summary, the available evidence is currently insufficient to determine the role of this variant in disease. Therefore, it has been classified as a Variant of Uncertain Significance.

Blueprint Genetics
Classification: Uncertain significance. Last evaluated: 2022-09-09. Review status: criteria provided, single submitter. Criteria: ACMG Guidelines, 2015. Collection method: clinical testing. Allele origin: germline.